The following is an entry in ClinVar:

ClinVar aggregate classification (germline): Uncertain significance (1 of 4 stars; one submission).

Conditions:
Charcot-Marie-Tooth disease X-linked dominant 6. Also called: CHARCOT-MARIE-TOOTH NEUROPATHY, X-LINKED DOMINANT, 6. Identifiers: Orphanet 352675, MedGen C3806702, MONDO:0010479, OMIM 300905.

Submission:

Labcorp Genetics (formerly Invitae), Labcorp
Classification: Uncertain significance for Charcot-Marie-Tooth disease X-linked dominant 6. Last evaluated: 2021-03-22. Review status: criteria provided, single submitter. Criteria: Invitae Variant Classification Sherloc (09022015). Collection method: clinical testing. Allele origin: germline.
Comment: In summary, the available evidence is currently insufficient to determine the role of this variant in disease. Therefore, it has been classified as a Variant of Uncertain Significance. The current clinical and genetic evidence is not sufficient to establish whether loss-of-function variants in PDK3 cause disease. This variant has not been reported in the literature in individuals with PDK3-related disease. This variant is a gross deletion of the genomic region encompassing exon 1 of the PDK3 gene, which includes the initiator codon. The 5' end of this event is unknown as it extends beyond the assayed region for this gene and therefore may encompass additional genes. The 3' boundary is likely confined to intron 1 of the PDK3 gene. This is expected to result in an absent or disrupted protein product.

NC_000023.10:g.(?_24483573)_(24483698_?)del

Gene: PDK3 (pyruvate dehydrogenase kinase 3; plus strand). Cytogenetic location: Xp22.11.
Variant type: Deletion.
Identifiers: ClinVar variation 1373655 (VCV001373655.6).